The following is an entry in ClinVar:

ClinVar aggregate classification (germline): Uncertain significance (1 of 4 stars; one submission).

Conditions:
Ellis-van Creveld syndrome (EVC). Also called: MESOECTODERMAL DYSPLASIA; EVC-Related Ellis-van Creveld Syndrome; EVC2-Related Ellis-van Creveld Syndrome; Chondroectodermal dysplasia. Identifiers: Orphanet 289, MedGen C0013903, MONDO:0009162, OMIM 225500.
Curry-Hall syndrome (WAD). Also called: WEYERS ACRODENTAL DYSOSTOSIS. Identifiers: Orphanet 952, MedGen C0457013, MONDO:0008673, OMIM 193530.

Allele frequency attached by ClinVar (database versions not stated): gnomAD exomes 0.00003.
gnomAD v4.1: 51 of 1,613,990 alleles (0.0032%); highest among the groups gnomAD compares: Non-Finnish European, 0.0041%; no homozygotes.

Submission:

Labcorp Genetics (formerly Invitae), Labcorp
Classification: Uncertain significance for Curry-Hall syndrome; Ellis-van Creveld syndrome. Last evaluated: 2025-07-14. Review status: criteria provided, single submitter. Criteria: Invitae Variant Classification Sherloc (09022015). Collection method: clinical testing. Allele origin: germline.
Comment: This sequence change replaces glutamic acid, which is acidic and polar, with lysine, which is basic and polar, at codon 789 of the EVC2 protein (p.Glu789Lys). This variant is present in population databases (rs765883164, gnomAD 0.01%). This variant has not been reported in the literature in individuals affected with EVC2-related conditions. ClinVar contains an entry for this variant (Variation ID: 2041306). An algorithm developed to predict the effect of missense changes on protein structure and function (PolyPhen-2) suggests that this variant is likely to be tolerated. In summary, the available evidence is currently insufficient to determine the role of this variant in disease. Therefore, it has been classified as a Variant of Uncertain Significance.

NM_147127.5(EVC2):c.2365G>A (p.Glu789Lys)

Gene: EVC2 (EvC ciliary complex subunit 2; minus strand). Cytogenetic location: 4p16.2.
Variant type: single nucleotide variant.
Coding change: c.2365G>A on transcript NM_147127.5 (MANE Select); coding-DNA position 2365, G replaced by A.
Protein change: p.Glu789Lys; replaces glutamic acid 789 with lysine.
Molecular consequence: missense variant.
Genome position (GRCh38, 1-based): chr4:5,622,673, C>T on the plus strand (G>A on the coding strand, the complement: EVC2 is on the minus strand). VCF-style: chr4-5622673-C-T. GRCh37 (hg19) VCF-style: chr4-5624400-C-T.
Other names: c.2125G>A, p.Glu709Lys (NM_001166136.2); short protein forms E709K, E789K.
Identifiers: ClinVar variation 2041306 (VCV002041306.3), dbSNP rs765883164, ClinGen allele CA2834740.